The following is an entry in ClinVar:

NM_007194.4(CHEK2):c.1157G>A (p.Gly386Glu)

Gene: CHEK2 (checkpoint kinase 2; minus strand). Cytogenetic location: 22q12.1.
Variant type: single nucleotide variant.
Coding change: c.1157G>A on transcript NM_007194.4 (MANE Select); coding-DNA position 1157, G replaced by A.
Protein change: p.Gly386Glu; replaces glycine 386 with glutamic acid.
Molecular consequence: missense variant.
Genome position (GRCh38, 1-based): chr22:28,695,812, C>T on the plus strand (G>A on the coding strand, the complement: CHEK2 is on the minus strand). VCF-style: chr22-28695812-C-T. GRCh37 (hg19) VCF-style: chr22-29091800-C-T.
Other names: c.1286G>A, p.Gly429Glu (NM_001005735.3); c.494G>A, p.Gly165Glu (NM_001257387.3); c.956G>A, p.Gly319Glu (NM_001349956.3); c.1070G>A, p.Gly357Glu (NM_145862.3); short protein forms G386E, G165E, G319E, G357E, G429E.
Identifiers: ClinVar variation 460787 (VCV000460787.15), dbSNP rs1555913820, ClinGen allele CA411096869.

ClinVar aggregate classification (germline): Uncertain significance. Review status: criteria provided, multiple submitters, no conflicts (2 of 4 stars). 2 submissions from 2 submitters: Uncertain significance (2). Last evaluated 2025-12-15.

Conditions:
Familial cancer of breast. Also called: BREAST CANCER, FAMILIAL; hereditary breast carcinoma; Hereditary breast cancer. Identifiers: Orphanet 227535, MedGen C0346153, MONDO:0016419, OMIM 114480. Disease mechanism: loss of function.
Hereditary cancer-predisposing syndrome. Also called: Neoplastic Syndromes, Hereditary; Tumor predisposition; Hereditary Cancer Syndrome; Hereditary neoplastic syndrome. Identifiers: Orphanet 140162, MedGen C0027672, MeSH D009386, MONDO:0015356.

Submissions (2):

Labcorp Genetics (formerly Invitae), Labcorp
Classification: Uncertain significance for Familial cancer of breast. Last evaluated: 2025-12-15. Review status: criteria provided, single submitter. Criteria: Invitae Variant Classification Sherloc (09022015). Collection method: clinical testing. Allele origin: germline.
Comment: This sequence change replaces glycine, which is neutral and non-polar, with glutamic acid, which is acidic and polar, at codon 386 of the CHEK2 protein (p.Gly386Glu). This variant is not present in population databases (gnomAD no frequency). This variant has not been reported in the literature in individuals affected with CHEK2-related conditions. ClinVar contains an entry for this variant (Variation ID: 460787). An algorithm developed to predict the effect of missense changes on protein structure and function (PolyPhen-2) suggests that this variant is likely to be disruptive. Experimental studies have shown that this missense change affects CHEK2 function (PMID: 37449874). In summary, the available evidence is currently insufficient to determine the role of this variant in disease. Therefore, it has been classified as a Variant of Uncertain Significance.

Ambry Genetics
Classification: Uncertain significance for Hereditary cancer-predisposing syndrome. Last evaluated: 2025-07-22. Review status: criteria provided, single submitter. Criteria: Ambry Variant Classification Scheme 2023. Collection method: clinical testing. Allele origin: germline.
Comment: The p.G386E variant (also known as c.1157G>A), located in coding exon 10 of the CHEK2 gene, results from a G to A substitution at nucleotide position 1157. The glycine at codon 386 is replaced by glutamic acid, an amino acid with similar properties. This amino acid position is highly conserved in available vertebrate species. In addition, this alteration is predicted to be deleterious by in silico analysis. Since supporting evidence is limited at this time, the clinical significance of this alteration remains unclear.

Literature cited by the submitters: PubMed 37449874 (cited by Labcorp Genetics (formerly Invitae), Labcorp).